The following is an entry in ClinVar:

ClinVar aggregate classification (germline): Uncertain significance. Review status: criteria provided, single submitter (1 of 4 stars). 2 submissions from 2 submitters: Uncertain significance (1). 1 of the submissions does not count toward it. Last evaluated 2026-06-17.

Conditions:
Pendred syndrome (PDS). Also called: Pendred's syndrome; Pendred Syndrome (PDS); THYROID DYSHORMONOGENESIS 2B; THYROID HORMONOGENESIS, GENETIC DEFECT IN, 2B; DEAFNESS WITH GOITER; GOITER-DEAFNESS SYNDROME. Identifiers: Orphanet 705, MedGen C0271829, MONDO:0010134, OMIM 274600.

Allele frequency attached by ClinVar (database versions not stated): gnomAD exomes below 0.00001; gnomAD 0.00003 and 0.00002; TOPMed 0.00001.
gnomAD v4.1: 7 of 1,596,560 alleles (0.00044%); highest among the groups gnomAD compares: African/African-American, 0.0094%; no homozygotes.

Submissions (2):

Women's Health and Genetics/Laboratory Corporation of America, LabCorp
Classification: Uncertain significance. Last evaluated: 2026-06-17. Review status: criteria provided, single submitter. Criteria: LabCorp Variant Classification Summary - May 2015. Collection method: clinical testing. Allele origin: germline.
Comment: Variant summary: SLC26A4 c.2034G>A (p.Val678Val) alters a conserved nucleotide located close to a canonical splice site and therefore could affect mRNA splicing, leading to a significantly altered protein sequence. Several computational tools predict a significant impact on normal splicing: Three predict the variant weakens a 5' donor site. One predicts the variant abolishes a 5' splicing donor site. One predicts the variant strengthens a cryptic 5' donor site. However, these predictions have yet to be confirmed by functional studies. The variant allele was found at a frequency of 4e-06 in 250826 control chromosomes. The available data on variant occurrences in the general population are insufficient to allow any conclusion about variant significance. c.2034G>A has been observed in individual(s) affected with SLC26A4-related conditions (de Filippis_2017, Medda_2019). These reports do not provide unequivocal conclusions about the association of the variant with disease. To our knowledge, no experimental evidence demonstrating an impact on protein function has been reported. The following publications have been ascertained in the context of this evaluation (PMID: 36071330, 31287502, 28444304). ClinVar contains an entry for this variant (Variation ID: 557133). Based on the evidence outlined above, the variant was classified as uncertain significance.

Counsyl
Classification: Uncertain significance for Pendred syndrome. Last evaluated: 2018-03-13. Review status: no assertion criteria provided. Collection method: clinical testing. Allele origin: unknown. Not counted in ClinVar's aggregate classification.

Literature cited by the submitters: PubMed 28444304 (cited by Women's Health and Genetics/Laboratory Corporation of America, LabCorp and Counsyl); PubMed 36071330 (cited by Women's Health and Genetics/Laboratory Corporation of America, LabCorp); PubMed 31287502 (cited by Women's Health and Genetics/Laboratory Corporation of America, LabCorp).

NM_000441.2(SLC26A4):c.2034G>A (p.Val678=)

Gene: SLC26A4 (solute carrier family 26 member 4; plus strand). Cytogenetic location: 7q22.3.
Variant type: single nucleotide variant.
Coding change: c.2034G>A on transcript NM_000441.2 (MANE Select); coding-DNA position 2034, G replaced by A.
Protein change: p.Val678=; no amino-acid change (valine 678 retained).
Molecular consequence: synonymous variant.
Genome position (GRCh38, 1-based): chr7:107,702,057, G>A. VCF-style: chr7-107702057-G-A. GRCh37 (hg19) VCF-style: chr7-107342502-G-A.
Identifiers: ClinVar variation 557133 (VCV000557133.3), dbSNP rs1048663788, ClinGen allele CA164218697.
Genomic context (GRCh38, chr7:107,702,057, plus strand): 5'-TGTGCTTGACTGTGGAGCTATATCTTTCCTGGACGTTGTTGGAGTGAGATCACTGCGGGT[G>A]GTAAGGTTCTGGTTTTCTGAATTATACATTTGGAGCTTTGGCAATAGTAAAATGATGTGG-3'
Protein context (NP_000432.1, residues 668-688): LDVVGVRSLR[Val678=]IVKEFQRIDV